The following is an entry in ClinVar:

ClinVar aggregate classification (germline): Uncertain significance (1 of 4 stars; one submission).

Submission:

Ambry Genetics
Classification: Uncertain significance. Last evaluated: 2025-11-24. Review status: criteria provided, single submitter. Criteria: Ambry Variant Classification Scheme 2023. Collection method: clinical testing. Allele origin: germline.
Comment: The p.V1416F variant (also known as c.4246G>T), located in coding exon 14 of the CDK12 gene, results from a G to T substitution at nucleotide position 4246. The valine at codon 1416 is replaced by phenylalanine, an amino acid with highly similar properties. This amino acid position is conserved. In addition, this alteration is predicted to be tolerated by in silico analysis. Based on the available evidence, the clinical significance of this variant remains unclear.

NM_016507.4(CDK12):c.4246G>T (p.Val1416Phe)

Gene: CDK12 (cyclin dependent kinase 12; plus strand). Cytogenetic location: 17q12.
Variant type: single nucleotide variant.
Coding change: c.4246G>T on transcript NM_016507.4 (MANE Select); coding-DNA position 4246, G replaced by T.
Protein change: p.Val1416Phe; replaces valine 1416 with phenylalanine.
Molecular consequence: missense variant.
Genome position (GRCh38, 1-based): chr17:39,531,089, G>T. VCF-style: chr17-39531089-G-T. GRCh37 (hg19) VCF-style: chr17-37687342-G-T.
Other names: c.4219G>T, p.Val1407Phe (NM_015083.4); short protein forms V1407F, V1416F.
Identifiers: ClinVar variation 4651461 (VCV004651461.1).